The following is an entry in ClinVar:

NM_001330260.2(SCN8A):c.2827dup (p.Asp943fs)

Gene: SCN8A (sodium voltage-gated channel alpha subunit 8; plus strand). Cytogenetic location: 12q13.13.
Variant type: Duplication.
Coding change: c.2827dup on transcript NM_001330260.2 (MANE Select); coding-DNA position 2827, one base duplicated (G; older notation c.2827dupG).
Protein change: p.Asp943fs; shifts the reading frame from aspartic acid 943.
Molecular consequence: frameshift variant.
Genome position (GRCh38, 1-based): chr12:51,765,953, G duplicated; the last of 3 consecutive G bases (chr12:51,765,951-51,765,953); duplicating any one gives the same sequence. VCF-style (leftmost placement, unchanged base first): chr12-51765950-T-TG. GRCh37 (hg19) VCF-style: chr12-52159734-T-TG.
Other names: c.2827dup, p.Asp943fs (NM_001177984.3, NM_001369788.1, NM_014191.4); short protein forms D943fs.
Identifiers: ClinVar variation 817136 (VCV000817136.1), dbSNP rs1592149876, ClinGen allele CA915948396.

ClinVar aggregate classification (germline): Likely pathogenic (1 of 4 stars; one submission).

Submission:

GeneDx
Classification: Likely pathogenic. Last evaluated: 2018-07-05. Review status: criteria provided, single submitter. Criteria: GeneDx Variant Classification (06012015). Collection method: clinical testing. Allele origin: germline. Affected: yes.
Comment: The c.2827dupG variant in the SCN8A gene has not been reported previously as a pathogenic variant, nor as a benign variant, to our knowledge. The c.2827dupG variant causes a frameshift starting with codon Aspartic acid 943, changes this amino acid to a Glycine residue, and creates a premature Stop codon at position 48 of the new reading frame, denoted p.Asp943GlyfsX48. This variant is predicted to cause loss of normal protein function either through protein truncation or nonsense-mediated mRNA decay. The c.2827dupG variant is not observed in large population cohorts (Lek et al., 2016). We interpret c.2827dupG as a likely pathogenic variant.